The following is an entry in ClinVar:

NM_001256007.3(PNPLA8):c.2132C>T (p.Pro711Leu)

Gene: PNPLA8 (patatin like domain 8, phospholipase A2; minus strand). Cytogenetic location: 7q31.1.
Variant type: single nucleotide variant.
Coding change: c.2132C>T on transcript NM_001256007.3 (MANE Select); coding-DNA position 2132, C replaced by T.
Protein change: p.Pro711Leu; replaces proline 711 with leucine.
Molecular consequence: missense variant.
Genome position (GRCh38, 1-based): chr7:108,472,618, G>A on the plus strand (C>T on the coding strand, the complement: PNPLA8 is on the minus strand). VCF-style: chr7-108472618-G-A. GRCh37 (hg19) VCF-style: chr7-108113062-G-A.
Other names: c.2132C>T, p.Pro711Leu (NM_001256008.3, NM_015723.5); c.1946C>T, p.Pro649Leu (NM_001256009.3); c.1832C>T, p.Pro611Leu (NM_001256010.3, NM_001256011.3); short protein forms P649L, P711L, P611L.
Identifiers: ClinVar variation 958787 (VCV000958787.9), dbSNP rs1859701806, ClinGen allele CA368890952.

ClinVar aggregate classification (germline): Uncertain significance (1 of 4 stars; one submission).

Submission:

Labcorp Genetics (formerly Invitae), Labcorp
Classification: Uncertain significance. Last evaluated: 2022-07-19. Review status: criteria provided, single submitter. Criteria: Invitae Variant Classification Sherloc (09022015). Collection method: clinical testing. Allele origin: germline.
Comment: This variant has not been reported in the literature in individuals affected with PNPLA8-related conditions. In summary, the available evidence is currently insufficient to determine the role of this variant in disease. Therefore, it has been classified as a Variant of Uncertain Significance. Algorithms developed to predict the effect of missense changes on protein structure and function are either unavailable or do not agree on the potential impact of this missense change (SIFT: "Deleterious"; PolyPhen-2: "Probably Damaging"; Align-GVGD: "Class C0"). ClinVar contains an entry for this variant (Variation ID: 958787). This variant is not present in population databases (gnomAD no frequency). This sequence change replaces proline, which is neutral and non-polar, with leucine, which is neutral and non-polar, at codon 711 of the PNPLA8 protein (p.Pro711Leu).